The following is an entry in ClinVar:

ClinVar aggregate classification (germline): Pathogenic (1 of 4 stars; one submission).

Conditions:
Polycystic kidney disease 2 (PKD2). Also called: Polycystic Kidney Disease 2, Autosomal Dominant; POLYCYSTIC KIDNEY DISEASE 2 WITH OR WITHOUT POLYCYSTIC LIVER DISEASE; POLYCYSTIC KIDNEY DISEASE, ADULT, TYPE II. Identifiers: MedGen C2751306, MONDO:0013131, OMIM 613095.

Submission:

MVZ Medizinische Genetik Mainz
Classification: Pathogenic for Polycystic kidney disease 2. Last evaluated: 2026-09-25. Review status: criteria provided, single submitter. Criteria: UK Practice Guidelines For Variant Classification V4 01 2020. Collection method: clinical testing. Allele origin: germline. Inheritance: Autosomal dominant inheritance. Affected: yes. Observed: 1 variant allele.
Comment: ACMG Criteria: PVS1,PS1_SUP,PM2_SUP,PP4

NM_000297.4(PKD2):c.2522+2del

Gene: PKD2 (polycystin 2, transient receptor potential cation channel; plus strand). Cytogenetic location: 4q22.1.
Variant type: Deletion.
Coding change: c.2522+2del on transcript NM_000297.4 (MANE Select); the canonical splice donor site of the intron after coding-DNA position 2522, one base deleted (T; older notation c.2522+2delT).
Molecular consequence: splice donor variant.
Genome position (GRCh38, 1-based): chr4:88,068,063, T deleted. VCF-style (leftmost placement, unchanged base first): chr4-88068062-GT-G. GRCh37 (hg19) VCF-style: chr4-88989214-GT-G.
Other names: c.2297+2del (NM_001440544.1).
Identifiers: ClinVar variation 5038160 (VCV005038160.1).